The following is an entry in ClinVar:

ClinVar aggregate classification (germline): Uncertain significance (1 of 4 stars; one submission).

Conditions:
Jeune thoracic dystrophy. Also called: Short-rib thoracic dysplasia; Jeune syndrome; Infantile thoracic dystrophy; Thoracic pelvic phalangeal dystrophy; Jeune's syndrome; Chondroectodermal dysplasia-like syndrome. Identifiers: Orphanet 474, MedGen C0265275, MONDO:0018770.

gnomAD v4.1: 3 of 1,498,668 alleles (0.0002%); highest among the groups gnomAD compares: Non-Finnish European, 0.00018%; no homozygotes.

Submission:

Labcorp Genetics (formerly Invitae), Labcorp
Classification: Uncertain significance for Jeune thoracic dystrophy. Last evaluated: 2025-05-23. Review status: criteria provided, single submitter. Criteria: Invitae Variant Classification Sherloc (09022015). Collection method: clinical testing. Allele origin: germline.
Comment: This sequence change replaces isoleucine, which is neutral and non-polar, with methionine, which is neutral and non-polar, at codon 1897 of the DYNC2H1 protein (p.Ile1897Met). The frequency data for this variant in the population databases is considered unreliable, as metrics indicate poor data quality at this position in the gnomAD database. This variant has not been reported in the literature in individuals affected with DYNC2H1-related conditions. Invitae Evidence Modeling of protein sequence and biophysical properties (such as structural, functional, and spatial information, amino acid conservation, physicochemical variation, residue mobility, and thermodynamic stability) has been performed for this missense variant. However, the output from this modeling did not meet the statistical confidence thresholds required to predict the impact of this variant on DYNC2H1 protein function. In summary, the available evidence is currently insufficient to determine the role of this variant in disease. Therefore, it has been classified as a Variant of Uncertain Significance.

NM_001377.3(DYNC2H1):c.5691T>G (p.Ile1897Met)

Gene: DYNC2H1 (dynein cytoplasmic 2 heavy chain 1; plus strand). Cytogenetic location: 11q22.3.
Variant type: single nucleotide variant.
Coding change: c.5691T>G on transcript NM_001377.3 (MANE Select); coding-DNA position 5691, T replaced by G.
Protein change: p.Ile1897Met; replaces isoleucine 1897 with methionine.
Molecular consequence: missense variant.
Genome position (GRCh38, 1-based): chr11:103,176,251, T>G. VCF-style: chr11-103176251-T-G. GRCh37 (hg19) VCF-style: chr11-103046980-T-G.
Other names: c.5691T>G, p.Ile1897Met (NM_001080463.2); short protein forms I1897M.
Identifiers: ClinVar variation 4691973 (VCV004691973.1).